The following is an entry in ClinVar:

ClinVar aggregate classification (germline): Uncertain significance (1 of 4 stars; one submission).

Allele frequency attached by ClinVar (database versions not stated): TOPMed 0.00003; gnomAD 0.00002; gnomAD exomes below 0.00001.
gnomAD v4.1: 9 of 1,606,388 alleles (0.00056%); highest among the groups gnomAD compares: African/African-American, 0.012%; no homozygotes.

Submission:

GeneDx
Classification: Uncertain significance. Last evaluated: 2023-11-11. Review status: criteria provided, single submitter. Criteria: GeneDx Variant Classification Process June 2021. Collection method: clinical testing. Allele origin: germline. Affected: yes.
Comment: Not observed at significant frequency in large population cohorts (gnomAD); In silico analysis supports a deleterious effect on splicing; Has not been previously published as pathogenic or benign to our knowledge

NM_017646.6(TRIT1):c.1007-4T>G

Gene: TRIT1 (tRNA isopentenyltransferase 1; minus strand). Cytogenetic location: 1p34.2.
Variant type: single nucleotide variant.
Coding change: c.1007-4T>G on transcript NM_017646.6 (MANE Select); 4 bases into the intron before coding-DNA position 1007, T replaced by G.
Molecular consequence: intron variant.
Genome position (GRCh38, 1-based): chr1:39,844,644, A>C on the plus strand (T>G on the coding strand, the complement: TRIT1 is on the minus strand). VCF-style: chr1-39844644-A-C. GRCh37 (hg19) VCF-style: chr1-40310316-A-C.
Other names: c.761-4T>G (NM_001312692.1); c.929-4T>G (NM_001312691.1).
Identifiers: ClinVar variation 1704195 (VCV001704195.3), dbSNP rs1049034432, ClinGen allele CA21024591.